The following is an entry in ClinVar:

ClinVar aggregate classification (germline): Uncertain significance (1 of 4 stars; one submission).

Conditions:
Glanzmann thrombasthenia. Also called: BLEEDING DISORDER, PLATELET-TYPE, 2; THROMBASTHENIA OF GLANZMANN AND NAEGELI; Thrombasthenia; PLATELET GLYCOPROTEIN IIb-IIIa DEFICIENCY; Glanzmann's thrombasthenia. Identifiers: Orphanet 849, MedGen C0040015, MONDO:0100326.

Allele frequency attached by ClinVar (database versions not stated): TOPMed 0.00001; gnomAD 0.00003; gnomAD exomes 0.00006; ExAC 0.00013; 1000 Genomes Project 30x 0.00016; 1000 Genomes Project 0.00020.
gnomAD v4.1: 91 of 1,614,058 alleles (0.0056%); highest among the groups gnomAD compares: South Asian, 0.093%; 1 homozygote.

Submission:

Labcorp Genetics (formerly Invitae), Labcorp
Classification: Uncertain significance for Glanzmann thrombasthenia. Last evaluated: 2025-10-21. Review status: criteria provided, single submitter. Criteria: Invitae Variant Classification Sherloc (09022015). Collection method: clinical testing. Allele origin: germline.
Comment: This sequence change falls in intron 24 of the ITGA2B gene. It does not directly change the encoded amino acid sequence of the ITGA2B protein. It affects a nucleotide within the consensus splice site. This variant is present in population databases (rs537825824, gnomAD 0.09%). This variant has not been reported in the literature in individuals affected with ITGA2B-related conditions. ClinVar contains an entry for this variant (Variation ID: 2176658). Variants that disrupt the consensus splice site are a relatively common cause of aberrant splicing (PMID: 17576681, 9536098). Algorithms developed to predict the effect of sequence changes on RNA splicing suggest that this variant is not likely to affect RNA splicing. In summary, the available evidence is currently insufficient to determine the role of this variant in disease. Therefore, it has been classified as a Variant of Uncertain Significance.

Literature cited by the submitters: PubMed 17576681; PubMed 9536098.

NM_000419.5(ITGA2B):c.2448+4T>C

Gene: ITGA2B (integrin subunit alpha 2b; minus strand). Cytogenetic location: 17q21.31.
Variant type: single nucleotide variant.
Coding change: c.2448+4T>C on transcript NM_000419.5 (MANE Select); 4 bases into the intron after coding-DNA position 2448, T replaced by C.
Molecular consequence: intron variant.
Genome position (GRCh38, 1-based): chr17:44,376,081, A>G on the plus strand (T>C on the coding strand, the complement: ITGA2B is on the minus strand). VCF-style: chr17-44376081-A-G. GRCh37 (hg19) VCF-style: chr17-42453449-A-G.
Identifiers: ClinVar variation 2176658 (VCV002176658.4), dbSNP rs537825824, ClinGen allele CA8602693.